The following is an entry in ClinVar:

ClinVar aggregate classification (germline): Uncertain significance. Review status: criteria provided, multiple submitters, no conflicts (2 of 4 stars). 3 submissions from 3 submitters: Uncertain significance (3). Last evaluated 2025-10-02.

Conditions:
Inborn genetic diseases. Identifiers: MedGen C0950123, MeSH D030342.
Charcot-Marie-Tooth disease axonal type 2S. Also called: CHARCOT-MARIE-TOOTH NEUROPATHY, TYPE 2S; CHARCOT-MARIE-TOOTH DISEASE, AXONAL, AUTOSOMAL RECESSIVE, TYPE 2S. Identifiers: Orphanet 443073, MedGen C4015349, MONDO:0014511, OMIM 616155.
Autosomal recessive distal spinal muscular atrophy 1. Also called: HMN VI; NEURONOPATHY, SEVERE INFANTILE AXONAL, WITH RESPIRATORY FAILURE; SEVERE INFANTILE AXONAL NEUROPATHY WITH RESPIRATORY FAILURE; SPINAL MUSCULAR ATROPHY, DIAPHRAGMATIC; Spinal muscular atrophy with respiratory distress 1; NEURONOPATHY, DISTAL HEREDITARY MOTOR, HARDING TYPE VI. Identifiers: Orphanet 98920, MedGen C1858517, MONDO:0011436, OMIM 604320.

Allele frequency attached by ClinVar (database versions not stated): gnomAD 0.00001; ExAC 0.00005; TOPMed 0.00005.
gnomAD v4.1: 49 of 1,614,038 alleles (0.003%); highest among the groups gnomAD compares: Middle Eastern, 0.033%; no homozygotes.

Submissions (3):

Labcorp Genetics (formerly Invitae), Labcorp
Classification: Uncertain significance for Autosomal recessive distal spinal muscular atrophy 1; Charcot-Marie-Tooth disease axonal type 2S. Last evaluated: 2025-10-02. Review status: criteria provided, single submitter. Criteria: Invitae Variant Classification Sherloc (09022015). Collection method: clinical testing. Allele origin: germline.
Comment: This sequence change replaces alanine, which is neutral and non-polar, with threonine, which is neutral and polar, at codon 203 of the IGHMBP2 protein (p.Ala203Thr). This variant is present in population databases (rs768493454, gnomAD 0.009%). This variant has not been reported in the literature in individuals affected with IGHMBP2-related conditions. ClinVar contains an entry for this variant (Variation ID: 1027066). Invitae Evidence Modeling of protein sequence and biophysical properties (such as structural, functional, and spatial information, amino acid conservation, physicochemical variation, residue mobility, and thermodynamic stability) indicates that this missense variant is not expected to disrupt IGHMBP2 protein function with a negative predictive value of 95%. In summary, the available evidence is currently insufficient to determine the role of this variant in disease. Therefore, it has been classified as a Variant of Uncertain Significance.

Mayo Clinic Laboratories, Mayo Clinic
Classification: Uncertain significance. Last evaluated: 2024-12-26. Review status: criteria provided, single submitter. Criteria: ACMG Guidelines, 2015. Collection method: clinical testing. Allele origin: germline. Observed: 1 variant allele.
Comment: PP3

Ambry Genetics
Classification: Uncertain significance for Inborn genetic diseases. Last evaluated: 2024-05-10. Review status: criteria provided, single submitter. Criteria: Ambry Variant Classification Scheme 2023. Collection method: clinical testing. Allele origin: germline.

NM_002180.3(IGHMBP2):c.607G>A (p.Ala203Thr)

Gene: IGHMBP2 (immunoglobulin mu DNA binding protein 2; plus strand). Cytogenetic location: 11q13.3.
Variant type: single nucleotide variant.
Coding change: c.607G>A on transcript NM_002180.3 (MANE Select); coding-DNA position 607, G replaced by A.
Protein change: p.Ala203Thr; replaces alanine 203 with threonine.
Molecular consequence: missense variant.
Genome position (GRCh38, 1-based): chr11:68,911,499, G>A. VCF-style: chr11-68911499-G-A. GRCh37 (hg19) VCF-style: chr11-68678967-G-A.
Other names: p.Ala203Thr; c.607G>A (NM_002180.2); short protein forms A203T.
Identifiers: ClinVar variation 1027066 (VCV001027066.9), dbSNP rs768493454, ClinGen allele CA6153341.
Genomic context (GRCh38, chr11:68,911,499, plus strand): 5'-GACCCGCTGACATTCTTCAACACCTGCCTGGACACCTCCCAGAAAGAAGCGGTTTTATTT[G>A]CGCTGTCTCAGAAAGAACTTGCCATCATCCATGGACCTCCTGGCACTGGGAAAACCACGA-3'
Protein context (NP_002171.2, residues 193-213): DTSQKEAVLF[Ala203Thr]LSQKELAIIH